The following is an entry in ClinVar:

ClinVar aggregate classification (germline): Conflicting classifications of pathogenicity. Review status: criteria provided, conflicting classifications (1 of 4 stars). 2 submissions from 2 submitters: Uncertain significance (1); Likely benign (1). Last evaluated 2024-12-23.

Allele frequency attached by ClinVar (database versions not stated): TOPMed below 0.00001; gnomAD 0.00001; gnomAD exomes 0.00001; ExAC 0.00003.
gnomAD v4.1: 16 of 1,545,224 alleles (0.001%); highest among the groups gnomAD compares: East Asian, 0.0024%; no homozygotes.

Submissions (2):

Ambry Genetics
Classification: Likely benign. Last evaluated: 2024-12-23. Review status: criteria provided, single submitter. Criteria: Ambry Variant Classification Scheme 2023. Collection method: clinical testing. Allele origin: germline.

Labcorp Genetics (formerly Invitae), Labcorp
Classification: Uncertain significance. Last evaluated: 2023-01-30. Review status: criteria provided, single submitter. Criteria: Invitae Variant Classification Sherloc (09022015). Collection method: clinical testing. Allele origin: germline.
Comment: In summary, the available evidence is currently insufficient to determine the role of this variant in disease. Therefore, it has been classified as a Variant of Uncertain Significance. Algorithms developed to predict the effect of missense changes on protein structure and function output the following: SIFT: "Tolerated"; PolyPhen-2: "Benign"; Align-GVGD: "Class C0". The leucine amino acid residue is found in multiple mammalian species, which suggests that this missense change does not adversely affect protein function. ClinVar contains an entry for this variant (Variation ID: 1682958). This variant has not been reported in the literature in individuals affected with MKL1-related conditions. The frequency data for this variant in the population databases is considered unreliable, as metrics indicate poor data quality at this position in the gnomAD database. This sequence change replaces serine, which is neutral and polar, with leucine, which is neutral and non-polar, at codon 690 of the MKL1 protein (p.Ser690Leu).

NM_020831.6(MRTFA):c.2369C>T (p.Ser790Leu)

Gene: MRTFA (myocardin related transcription factor A; minus strand). Cytogenetic location: 22q13.1.
Variant type: single nucleotide variant.
Coding change: c.2369C>T on transcript NM_020831.6 (MANE Select); coding-DNA position 2369, C replaced by T.
Protein change: p.Ser790Leu; replaces serine 790 with leucine.
Molecular consequence: missense variant.
Genome position (GRCh38, 1-based): chr22:40,417,489, G>A on the plus strand (C>T on the coding strand, the complement: MRTFA is on the minus strand). VCF-style: chr22-40417489-G-A. GRCh37 (hg19) VCF-style: chr22-40813493-G-A.
Other names: c.2069C>T, p.Ser690Leu (NM_001282660.2); c.2219C>T, p.Ser740Leu (NM_001282661.3); c.2369C>T, p.Ser790Leu (NM_001282662.3); c.2174C>T, p.Ser725Leu (NM_001318139.2); c.2069C>T (NM_020831.3); short protein forms S690L, S725L, S740L, S790L.
Identifiers: ClinVar variation 1682958 (VCV001682958.9), dbSNP rs761948522, ClinGen allele CA10249347.